The following is an entry in ClinVar:

NM_001165963.4(SCN1A):c.700A>G (p.Lys234Glu)

Gene: SCN1A (sodium voltage-gated channel alpha subunit 1; minus strand). Cytogenetic location: 2q24.3.
Variant type: single nucleotide variant.
Coding change: c.700A>G on transcript NM_001165963.4 (MANE Select); coding-DNA position 700, A replaced by G.
Protein change: p.Lys234Glu; replaces lysine 234 with glutamic acid.
Molecular consequence: missense variant. On other transcripts: 5 prime UTR variant (1), non-coding transcript variant (1).
Genome position (GRCh38, 1-based): chr2:166,051,983, T>C on the plus strand (A>G on the coding strand, the complement: SCN1A is on the minus strand). VCF-style: chr2-166051983-T-C. GRCh37 (hg19) VCF-style: chr2-166908493-T-C.
Other names: c.700A>G, p.Lys234Glu (NM_001165964.3, NM_001202435.3, NM_001353948.2 and 10 more transcripts); c.-1726A>G (NM_001353961.2); short protein forms K234E.
Identifiers: ClinVar variation 849379 (VCV000849379.34), dbSNP rs1553549993, ClinGen allele CA349073874.

ClinVar aggregate classification (germline): Uncertain significance. Review status: criteria provided, multiple submitters, no conflicts (2 of 4 stars). 3 submissions from 3 submitters: Uncertain significance (3). Last evaluated 2024-10-03.

Conditions:
Early-infantile DEE. Also called: Early infantile epileptic encephalopathy; Ohtahara syndrome; Early infantile epileptic encephalopathy with suppression bursts. Identifiers: Orphanet 1934, MedGen C0393706, MONDO:0800491.

Submissions (3):

Women's Health and Genetics/Laboratory Corporation of America, LabCorp
Classification: Uncertain significance. Last evaluated: 2024-10-03. Review status: criteria provided, single submitter. Criteria: LabCorp Variant Classification Summary - May 2015. Collection method: clinical testing. Allele origin: germline.

CeGaT Center for Human Genetics Tuebingen
Classification: Uncertain significance. Last evaluated: 2024-01-01. Review status: criteria provided, single submitter. Criteria: CeGaT Center For Human Genetics Tuebingen Variant Classification Criteria Version 2. Collection method: clinical testing. Allele origin: germline. Affected: yes. Observed: 2 variant alleles.
Comment: SCN1A: PM2, PP3

Labcorp Genetics (formerly Invitae), Labcorp
Classification: Uncertain significance for Early-infantile DEE. Last evaluated: 2021-05-10. Review status: criteria provided, single submitter. Criteria: Invitae Variant Classification Sherloc (09022015). Collection method: clinical testing. Allele origin: germline.
Comment: This sequence change replaces lysine with glutamic acid at codon 234 of the SCN1A protein (p.Lys234Glu). The lysine residue is highly conserved and there is a small physicochemical difference between lysine and glutamic acid. This variant is not present in population databases (ExAC no frequency). This variant has been observed in individual(s) with SCN1A-related disease as well as in unaffected individuals (Invitae). Algorithms developed to predict the effect of missense changes on protein structure and function (SIFT, PolyPhen-2, Align-GVGD) all suggest that this variant is likely to be disruptive, but these predictions have not been confirmed by published functional studies and their clinical significance is uncertain. In summary, the available evidence is currently insufficient to determine the role of this variant in disease. Therefore, it has been classified as a Variant of Uncertain Significance.